The following is an entry in ClinVar:

NM_001297.5(CNGB1):c.1275C>T (p.Ala425=)

Gene: CNGB1 (cyclic nucleotide gated channel subunit beta 1; minus strand). Cytogenetic location: 16q21.
Variant type: single nucleotide variant.
Coding change: c.1275C>T on transcript NM_001297.5 (MANE Select); coding-DNA position 1275, C replaced by T.
Protein change: p.Ala425=; no amino-acid change (alanine 425 retained).
Molecular consequence: synonymous variant.
Genome position (GRCh38, 1-based): chr16:57,939,527, G>A on the plus strand (C>T on the coding strand, the complement: CNGB1 is on the minus strand). VCF-style: chr16-57939527-G-A. GRCh37 (hg19) VCF-style: chr16-57973431-G-A.
Other names: c.1257C>T, p.Ala419= (NM_001286130.2); c.1275C>T (NM_001297.4).
Identifiers: ClinVar variation 1649216 (VCV001649216.10), dbSNP rs376016716, ClinGen allele CA8083487.

ClinVar aggregate classification (germline): Likely benign. Review status: criteria provided, multiple submitters, no conflicts (2 of 4 stars). 3 submissions from 3 submitters: Likely benign (3). Last evaluated 2025-10-06.

Conditions:
CNGB1-related disorder. Also called: CNGB1-related condition.

Allele frequency attached by ClinVar (database versions not stated): 1000 Genomes Project 30x 0.00031.
gnomAD v4.1: 36 of 1,613,834 alleles (0.0022%); highest among the groups gnomAD compares: Middle Eastern, 0.033%; no homozygotes.

Submissions (3):

Labcorp Genetics (formerly Invitae), Labcorp
Classification: Likely benign. Last evaluated: 2025-10-06. Review status: criteria provided, single submitter. Criteria: Invitae Variant Classification Sherloc (09022015). Collection method: clinical testing. Allele origin: germline.

PreventionGenetics, part of Exact Sciences
Classification: Likely benign for CNGB1-related condition. Last evaluated: 2025-04-29. Review status: criteria provided, single submitter. Criteria: ACMG Guidelines, 2015. Collection method: clinical testing. Allele origin: germline.
Comment: This variant is classified as likely benign based on ACMG/AMP sequence variant interpretation guidelines (Richards et al. 2015 PMID: 25741868, with internal and published modifications).

Blueprint Genetics
Classification: Likely benign. Last evaluated: 2024-10-11. Review status: criteria provided, single submitter. Criteria: ACMG Guidelines, 2015. Collection method: clinical testing. Allele origin: germline.